The following is an entry in ClinVar:

ClinVar aggregate classification (germline): Uncertain significance (1 of 4 stars; one submission).

Submission:

Labcorp Genetics (formerly Invitae), Labcorp
Classification: Uncertain significance. Last evaluated: 2024-06-30. Review status: criteria provided, single submitter. Criteria: Invitae Variant Classification Sherloc (09022015). Collection method: clinical testing. Allele origin: germline.
Comment: This sequence change replaces histidine, which is basic and polar, with tyrosine, which is neutral and polar, at codon 756 of the COL7A1 protein (p.His756Tyr). This variant is not present in population databases (gnomAD no frequency). This variant has not been reported in the literature in individuals affected with COL7A1-related conditions. Advanced modeling of protein sequence and biophysical properties (such as structural, functional, and spatial information, amino acid conservation, physicochemical variation, residue mobility, and thermodynamic stability) performed at Invitae indicates that this missense variant is not expected to disrupt COL7A1 protein function with a negative predictive value of 95%. In summary, the available evidence is currently insufficient to determine the role of this variant in disease. Therefore, it has been classified as a Variant of Uncertain Significance.

NM_000094.4(COL7A1):c.2266C>T (p.His756Tyr)

Gene: COL7A1 (collagen type VII alpha 1 chain; minus strand). Cytogenetic location: 3p21.31.
Variant type: single nucleotide variant.
Coding change: c.2266C>T on transcript NM_000094.4 (MANE Select); coding-DNA position 2266, C replaced by T.
Protein change: p.His756Tyr; replaces histidine 756 with tyrosine.
Molecular consequence: missense variant.
Genome position (GRCh38, 1-based): chr3:48,589,375, G>A on the plus strand (C>T on the coding strand, the complement: COL7A1 is on the minus strand). VCF-style: chr3-48589375-G-A. GRCh37 (hg19) VCF-style: chr3-48626808-G-A.
Other names: short protein forms H756Y.
Identifiers: ClinVar variation 3616305 (VCV003616305.2).